The following is an entry in ClinVar:

NM_198334.3(GANAB):c.242A>G (p.Glu81Gly)

Gene: GANAB (glucosidase II alpha subunit; minus strand). Cytogenetic location: 11q12.3.
Variant type: single nucleotide variant.
Coding change: c.242A>G on transcript NM_198334.3 (MANE Select); coding-DNA position 242, A replaced by G.
Protein change: p.Glu81Gly; replaces glutamic acid 81 with glycine.
Molecular consequence: missense variant. On other transcripts: 5 prime UTR variant (4), intron variant (3).
Genome position (GRCh38, 1-based): chr11:62,639,369, T>C on the plus strand (A>G on the coding strand, the complement: GANAB is on the minus strand). VCF-style: chr11-62639369-T-C. GRCh37 (hg19) VCF-style: chr11-62406841-T-C.
Other names: c.-50A>G (NM_001329222.2, NM_001329223.2); c.-535A>G (NM_001329224.2, NM_001329225.2); c.242A>G, p.Glu81Gly (NM_198335.4); c.39-4369A>G (NM_001278193.2, NM_001278192.2); c.-40+258A>G (NM_001278194.2); short protein forms E81G.
Identifiers: ClinVar variation 3384482 (VCV003384482.1).

ClinVar aggregate classification (germline): Uncertain significance (1 of 4 stars; one submission).

Submission:

GeneDx
Classification: Uncertain significance. Last evaluated: 2024-06-03. Review status: criteria provided, single submitter. Criteria: GeneDx Variant Classification Process June 2021. Collection method: clinical testing. Allele origin: germline. Affected: yes.
Comment: Not observed at significant frequency in large population cohorts (gnomAD); In silico analysis supports that this missense variant has a deleterious effect on protein structure/function; Has not been previously published as pathogenic or benign to our knowledge